The following is an entry in ClinVar:

NM_198859.4(PRICKLE2):c.1221G>A (p.Met407Ile)

Gene: PRICKLE2 (prickle planar cell polarity protein 2; minus strand). Cytogenetic location: 3p14.1.
Variant type: single nucleotide variant.
Coding change: c.1221G>A on transcript NM_198859.4 (MANE Select); coding-DNA position 1221, G replaced by A.
Protein change: p.Met407Ile; replaces methionine 407 with isoleucine.
Molecular consequence: missense variant.
Genome position (GRCh38, 1-based): chr3:64,147,269, C>T on the plus strand (G>A on the coding strand, the complement: PRICKLE2 is on the minus strand). VCF-style: chr3-64147269-C-T. GRCh37 (hg19) VCF-style: chr3-64132945-C-T.
Other names: c.1221G>A, p.Met407Ile (NM_001370528.1); short protein forms M407I.
Identifiers: ClinVar variation 4739466 (VCV004739466.1).
Genomic context (GRCh38, chr3:64,147,269, plus strand): 5'-GGAAGTTCTGATGTTGCACTGGCTGAGGAGCTGCAGAGGGCTCTGGGTCTGGTTCTGCTC[C>T]ATCTTGTTCCCATAATGGTAGGGCTCTTCCCGGCTCCTCCAGATGGGGTCCCGGTTGAGG-3'
Protein context (NP_942559.1, residues 397-417): REEPYHYGNK[Met407Ile]EQNQTQSPLQ

ClinVar aggregate classification (germline): Uncertain significance (1 of 4 stars; one submission).

Conditions:
Progressive myoclonic epilepsy type 5. Identifiers: Orphanet 402082, MedGen C5190799.

gnomAD v4.1: 1 of 1,611,450 alleles (0.000062%); highest among the groups gnomAD compares: Middle Eastern, 0.017%; no homozygotes.

Submission:

Labcorp Genetics (formerly Invitae), Labcorp
Classification: Uncertain significance for Progressive myoclonic epilepsy type 5. Last evaluated: 2026-01-19. Review status: criteria provided, single submitter. Criteria: Invitae Variant Classification Sherloc (09022015). Collection method: clinical testing. Allele origin: germline.
Comment: This sequence change replaces methionine, which is neutral and non-polar, with isoleucine, which is neutral and non-polar, at codon 407 of the PRICKLE2 protein (p.Met407Ile). This variant is not present in population databases (gnomAD no frequency). This variant has not been reported in the literature in individuals affected with PRICKLE2-related conditions. Invitae Evidence Modeling of protein sequence and biophysical properties (such as structural, functional, and spatial information, amino acid conservation, physicochemical variation, residue mobility, and thermodynamic stability) indicates that this missense variant is not expected to disrupt PRICKLE2 protein function with a negative predictive value of 80%. In summary, the available evidence is currently insufficient to determine the role of this variant in disease. Therefore, it has been classified as a Variant of Uncertain Significance.